The following is an entry in ClinVar:

ClinVar aggregate classification (germline): Uncertain significance. Review status: criteria provided, multiple submitters, no conflicts (2 of 4 stars). 4 submissions from 4 submitters: Uncertain significance (4). Last evaluated 2025-04-01.

Conditions:
Developmental and epileptic encephalopathy, 50 (DEE50). Also called: Epileptic encephalopathy, early infantile, 50. Identifiers: Orphanet 448010, MedGen C4225320, MONDO:0014647, OMIM 616457.

Allele frequency attached by ClinVar (database versions not stated): gnomAD 0.00004; TOPMed 0.00005; gnomAD exomes 0.00012; ExAC 0.00013; 1000 Genomes Project 30x 0.00047; 1000 Genomes Project 0.00060.

Submissions (4):

CeGaT Center for Human Genetics Tuebingen
Classification: Uncertain significance. Last evaluated: 2025-04-01. Review status: criteria provided, single submitter. Criteria: CeGaT Center For Human Genetics Tuebingen Variant Classification Criteria Version 2. Collection method: clinical testing. Allele origin: germline. Affected: yes. Observed: 1 variant allele.
Comment: CAD: PM2, PP3

Greenwood Genetic Center Diagnostic Laboratories, Greenwood Genetic Center
Classification: Uncertain significance. Last evaluated: 2024-08-12. Review status: criteria provided, single submitter. Criteria: ACMG Guidelines, 2015. Collection method: clinical testing. Allele origin: germline. Affected: yes.
Comment: BS1, PP2, PP3

Labcorp Genetics (formerly Invitae), Labcorp
Classification: Uncertain significance. Last evaluated: 2022-08-16. Review status: criteria provided, single submitter. Criteria: Invitae Variant Classification Sherloc (09022015). Collection method: clinical testing. Allele origin: germline.
Comment: This sequence change replaces glycine, which is neutral and non-polar, with arginine, which is basic and polar, at codon 132 of the CAD protein (p.Gly132Arg). This variant is present in population databases (rs145509871, gnomAD 0.1%). This variant has not been reported in the literature in individuals affected with CAD-related conditions. ClinVar contains an entry for this variant (Variation ID: 1359136). Algorithms developed to predict the effect of missense changes on protein structure and function are either unavailable or do not agree on the potential impact of this missense change (SIFT: "Deleterious"; PolyPhen-2: "Probably Damaging"; Align-GVGD: "Class C0"). In summary, the available evidence is currently insufficient to determine the role of this variant in disease. Therefore, it has been classified as a Variant of Uncertain Significance.

Juno Genomics, Hangzhou Juno Genomics, Inc
Classification: Uncertain significance for Developmental and epileptic encephalopathy, 50. Review status: criteria provided, single submitter. Criteria: ACMG Guidelines, 2015. Collection method: clinical testing. Allele origin: germline.
Comment: Multiple lines of computational evidence support a deleterious effect on the gene or gene product.;Missense variant in a gene that has a low rate of benign missense variation.

NM_004341.5(CAD):c.394G>A (p.Gly132Arg)

Gene: CAD (carbamoyl-phosphate synthetase 2, aspartate transcarbamylase, and dihydroorotase; plus strand). Cytogenetic location: 2p23.3.
Variant type: single nucleotide variant.
Coding change: c.394G>A on transcript NM_004341.5 (MANE Select); coding-DNA position 394, G replaced by A.
Protein change: p.Gly132Arg; replaces glycine 132 with arginine.
Molecular consequence: missense variant.
Genome position (GRCh38, 1-based): chr2:27,222,235, G>A. VCF-style: chr2-27222235-G-A. GRCh37 (hg19) VCF-style: chr2-27445103-G-A.
Other names: c.394G>A, p.Gly132Arg (NM_001306079.2); short protein forms G132R.
Identifiers: ClinVar variation 1359136 (VCV001359136.14), dbSNP rs145509871, ClinGen allele CA1572409.